The following is an entry in ClinVar:

NM_020340.5(ARFGEF3):c.2914C>T (p.Gln972Ter)

Gene: ARFGEF3 (ARFGEF family member 3; plus strand). Cytogenetic location: 6q23.3.
Variant type: single nucleotide variant.
Coding change: c.2914C>T on transcript NM_020340.5 (MANE Select); coding-DNA position 2914, C replaced by T.
Protein change: p.Gln972Ter; replaces glutamine 972 with a stop codon.
Molecular consequence: nonsense.
Genome position (GRCh38, 1-based): chr6:138,289,835, C>T. VCF-style: chr6-138289835-C-T. GRCh37 (hg19) VCF-style: chr6-138610972-C-T.
Other names: short protein forms Q972*.
Identifiers: ClinVar variation 4891028 (VCV004891028.1).
Genomic context (GRCh38, chr6:138,289,835, plus strand): 5'-CCTTACTCAACCTGTTATTTTAATAAATGTCTTTCTGGCACAGTGAAACTAAAAGTGGAG[C>T]AGAAACTGGAGCAGATTGGGAAGGTGCAGGGGGTGTGGCTGCACACTGCCCACGTCTTGT-3'

ClinVar aggregate classification (germline): Uncertain significance (1 of 4 stars; one submission).

Submission:

Greenwood Genetic Center Diagnostic Laboratories, Greenwood Genetic Center
Classification: Uncertain significance. Last evaluated: 2026-04-24. Review status: criteria provided, single submitter. Criteria: ACMG Guidelines, 2015. Collection method: clinical testing. Allele origin: germline.
Comment: Gene of Uncertain Significance